The following is an entry in ClinVar:

ClinVar aggregate classification (germline): Pathogenic (1 of 4 stars; one submission).

Conditions:
Ataxia-telangiectasia syndrome (AT). Also called: LOUIS-BAR SYNDROME; Cerebello-oculocutaneous telangiectasia; Immunodeficiency with ataxia telangiectasia; Ataxia telangiectasia (A-T); Ataxia-telangiectasia, complementation group D; AT, COMPLEMENTATION GROUP C. Identifiers: Orphanet 100, MedGen C0004135, MONDO:0008840, OMIM 208900.

Submission:

Labcorp Genetics (formerly Invitae), Labcorp
Classification: Pathogenic for Ataxia-telangiectasia syndrome. Last evaluated: 2025-07-25. Review status: criteria provided, single submitter. Criteria: Invitae Variant Classification Sherloc (09022015). Collection method: clinical testing. Allele origin: germline.
Comment: This sequence change creates a premature translational stop signal (p.Phe2908Leufs*30) in the ATM gene. It is expected to result in an absent or disrupted protein product. Loss-of-function variants in ATM are known to be pathogenic (PMID: 23807571, 25614872). This variant is not present in population databases (gnomAD no frequency). This variant has not been reported in the literature in individuals affected with ATM-related conditions. ClinVar contains an entry for this variant (Variation ID: 2736066). For these reasons, this variant has been classified as Pathogenic.

Literature cited by the submitters: PubMed 23807571; PubMed 25614872.

NM_000051.4(ATM):c.8724del (p.Phe2908fs)

Genes: ATM (ATM serine/threonine kinase; plus strand), C11orf65 (chromosome 11 open reading frame 65; minus strand). Cytogenetic location: 11q22.3.
Variant type: Deletion.
Coding change: c.8724del on transcript NM_000051.4 (MANE Select); coding-DNA position 8724, one base deleted (T; older notation c.8724delT).
Protein change: p.Phe2908fs; shifts the reading frame from phenylalanine 2908.
Molecular consequence: frameshift variant. On other transcripts: intron variant (2).
Genome position (GRCh38, 1-based): chr11:108,353,818, T deleted; the last of 4 consecutive T bases (chr11:108,353,815-108,353,818); deleting any one gives the same sequence. VCF-style (leftmost placement, unchanged base first): chr11-108353814-CT-C. GRCh37 (hg19) VCF-style: chr11-108224541-CT-C.
Other names: c.8724del, p.Phe2908fs (NM_001351834.2); c.640+32105del (NM_001330368.2); c.695-18523del (NM_001351110.2); short protein forms F2908fs.
Identifiers: ClinVar variation 2736066 (VCV002736066.3), dbSNP rs2547516435, ClinGen allele CA2697558887.